The following is an entry in ClinVar:

NM_003982.4(SLC7A7):c.1371C>A (p.Tyr457Ter)

Gene: SLC7A7 (solute carrier family 7 member 7; minus strand). Cytogenetic location: 14q11.2.
Variant type: single nucleotide variant.
Coding change: c.1371C>A on transcript NM_003982.4 (MANE Select); coding-DNA position 1371, C replaced by A.
Protein change: p.Tyr457Ter; replaces tyrosine 457 with a stop codon.
Molecular consequence: nonsense.
Genome position (GRCh38, 1-based): chr14:22,773,991, G>T on the plus strand (C>A on the coding strand, the complement: SLC7A7 is on the minus strand). VCF-style: chr14-22773991-G-T. GRCh37 (hg19) VCF-style: chr14-23243200-G-T.
Other names: c.1371C>A, p.Tyr457Ter (NM_001126105.3, NM_001126106.4); c.1371C>A (NM_001126106.2); short protein forms Y457*.
Identifiers: ClinVar variation 56356 (VCV000056356.3), dbSNP rs386833804, ClinGen allele CA263783.

ClinVar aggregate classification (germline): Pathogenic. Review status: criteria provided, single submitter (1 of 4 stars). 2 submissions from 2 submitters: Pathogenic (1). 1 of the submissions does not count toward it. Last evaluated 2025-09-19.

Conditions:
Lysinuric protein intolerance (LPI). Identifiers: Orphanet 470, MedGen C0268647, MONDO:0009109, OMIM 222700.

gnomAD v4.1: 19 of 1,614,236 alleles (0.0012%); highest among the groups gnomAD compares: Middle Eastern, 0.016%; no homozygotes.

Submissions (2):

Natera, Inc.
Classification: Pathogenic for Lysinuric protein intolerance. Last evaluated: 2025-09-19. Review status: criteria provided, single submitter. Criteria: Natera Variant Classification Schema (03/2026). Collection method: clinical testing. Allele origin: germline.
Comment: The c.1371C>A variant in SLC7A7 is a nonsense variant predicted to introduce a stop codon at amino acid 457. This variant is expected to result in nonsense mediated decay, truncation, or a dysfunctional protein product. This variant is rare in the general population with a frequency below the threshold expected for the associated phenotype(s). This variant has been observed in one or more individuals affected with the associated recessive disease, as either homozygous or compound heterozygous with a second variant (PMID: 18716612). Given the available evidence, this variant is classified as Pathogenic.

Juha Muilu Group; Institute for Molecular Medicine Finland (FIMM)
Classification: Likely pathogenic for Lysinuric protein intolerance. Review status: no assertion criteria provided. Collection method: not provided. Allele origin: unknown. Not counted in ClinVar's aggregate classification.
Comment: FinDis database variant: This variant was not found or characterized by our laboratory, data were collected from public sources: see reference
ClinVar note: Converted during submission from probable-pathogenic to Likely pathogenic.

Literature cited by the submitters: PubMed 18716612 (cited by Natera, Inc.).